The following is an entry in ClinVar:

NM_000089.4(COL1A2):c.1502C>T (p.Thr501Ile)

Gene: COL1A2 (collagen type I alpha 2 chain; plus strand). Cytogenetic location: 7q21.3.
Variant type: single nucleotide variant.
Coding change: c.1502C>T on transcript NM_000089.4 (MANE Select); coding-DNA position 1502, C replaced by T.
Protein change: p.Thr501Ile; replaces threonine 501 with isoleucine.
Molecular consequence: missense variant.
Genome position (GRCh38, 1-based): chr7:94,412,681, C>T. VCF-style: chr7-94412681-C-T. GRCh37 (hg19) VCF-style: chr7-94041993-C-T.
Other names: short protein forms T501I.
Identifiers: ClinVar variation 4005108 (VCV004005108.1).

ClinVar aggregate classification (germline): Uncertain significance (1 of 4 stars; one submission).

Conditions:
Cardiovascular phenotype. Identifiers: MedGen CN230736.

Submission:

Ambry Genetics
Classification: Uncertain significance for Cardiovascular phenotype. Last evaluated: 2025-04-22. Review status: criteria provided, single submitter. Criteria: Ambry Variant Classification Scheme 2023. Collection method: clinical testing. Allele origin: germline.
Comment: The p.T501I variant (also known as c.1502C>T), located in coding exon 25 of the COL1A2 gene, results from a C to T substitution at nucleotide position 1502. The threonine at codon 501 is replaced by isoleucine, an amino acid with similar properties. This amino acid position is not well conserved in available vertebrate species. In addition, the in silico prediction for this alteration is inconclusive. Based on the available evidence, the clinical significance of this variant remains unclear.